The following is an entry in ClinVar:

GRCh37/hg19 16p13.11(chr16:15129970-16284116)

Genes: NPIPA5 (nuclear pore complex interacting protein family member A5; minus strand), NTAN1 (N-terminal asparagine amidase), PDXDC1 (pyridoxal dependent decarboxylase domain containing 1), RRN3 (RRN3 homolog, RNA polymerase I transcription factor), ABCC1 (ATP binding cassette subfamily C member 1 (ABCC1 blood group); plus strand) and 7 more. Cytogenetic location: 16p13.11.
Variant type: copy number gain.
Identifiers: ClinVar variation 625597 (VCV000625597.1).

ClinVar aggregate classification (germline): Pathogenic (1 of 4 stars; one submission).

Submission:

Baylor Genetics
Classification: Pathogenic. Last evaluated: 2018-11-01. Review status: criteria provided, single submitter. Criteria: ACMG CNV Guidelines, 2011. Collection method: clinical testing. Allele origin: germline. Affected: yes. Observed: 1 variant allele.
Comment: This 16p13.11 microduplication is associated with varied clinical features including behavioral abnormalities, cognitive impairment, congenital heart defects and skeletal manifestations [PMID:21150890]